The following is an entry in ClinVar:

ClinVar aggregate classification (germline): Likely benign (1 of 4 stars; one submission).

Submission:

CeGaT Center for Human Genetics Tuebingen
Classification: Likely benign. Last evaluated: 2023-01-01. Review status: criteria provided, single submitter. Criteria: CeGaT Center For Human Genetics Tuebingen Variant Classification Criteria Version 2. Collection method: clinical testing. Allele origin: germline. Affected: yes. Observed: 1 variant allele.
Comment: NUCLEOLIN: BS2

NM_005381.3(NUCLEOLIN):c.741CGA[3] (p.Asp250del)

Gene: NUCLEOLIN (nucleolin multifunctional protein; minus strand). Cytogenetic location: 2q37.1.
Variant type: Microsatellite.
Coding change: c.741CGA[3] on transcript NM_005381.3 (MANE Select); three copies in a row of the 3-base unit CGA starting at c.741; the reference has four copies in a row; one copy, 3 bases deleted.
Protein change: p.Asp250del; deletes aspartic acid 250.
Molecular consequence: inframe deletion.
Genome position (GRCh38, 1-based): chr2:231,460,728-231,460,730, TCG deleted on the plus strand (CGA on the coding strand, the reverse complement: NUCLEOLIN is on the minus strand); deleting any 3 consecutive bases within chr2:231,460,728-231,460,741 gives the same sequence; the position shown is the placement nearest the transcript's 3' end. VCF-style (leftmost placement, unchanged base first): chr2-231460727-TTCG-T. GRCh37 (hg19) VCF-style: chr2-232325438-TTCG-T.
Other names: short protein forms D250del.
Identifiers: ClinVar variation 2652000 (VCV002652000.24), dbSNP rs66781921, ClinGen allele CA2161663.